The following is an entry in ClinVar:

NM_014244.5(ADAMTS2):c.411G>A (p.Met137Ile)

Gene: ADAMTS2 (ADAM metallopeptidase with thrombospondin type 1 motif 2; minus strand). Cytogenetic location: 5q35.3.
Variant type: single nucleotide variant.
Coding change: c.411G>A on transcript NM_014244.5 (MANE Select); coding-DNA position 411, G replaced by A.
Protein change: p.Met137Ile; replaces methionine 137 with isoleucine.
Molecular consequence: missense variant.
Genome position (GRCh38, 1-based): chr5:179,343,890, C>T on the plus strand (G>A on the coding strand, the complement: ADAMTS2 is on the minus strand). VCF-style: chr5-179343890-C-T. GRCh37 (hg19) VCF-style: chr5-178770891-C-T.
Other names: c.411G>A, p.Met137Ile (NM_021599.4); short protein forms M137I.
Identifiers: ClinVar variation 578724 (VCV000578724.5), dbSNP rs777436451, ClinGen allele CA3596331.

ClinVar aggregate classification (germline): Uncertain significance. Review status: criteria provided, multiple submitters, no conflicts (2 of 4 stars). 3 submissions from 3 submitters: Uncertain significance (2). 1 of the submissions does not count toward it. Last evaluated 2025-06-02.

Conditions:
Ehlers-Danlos syndrome, dermatosparaxis type. Also called: Dermatosparaxis; Ehlers-Danlos syndrome, type VII, autosomal recessive; EDS VIIC. Identifiers: Orphanet 1901, MedGen C2700425, MONDO:0009161, OMIM 225410.

Allele frequency attached by ClinVar (database versions not stated): TOPMed 0.00002; gnomAD exomes 0.00003 and 0.00005; gnomAD 0.00005; ExAC 0.00012.

Submissions (3):

Women's Health and Genetics/Laboratory Corporation of America, LabCorp
Classification: Uncertain significance. Last evaluated: 2025-06-02. Review status: criteria provided, single submitter. Criteria: LabCorp Variant Classification Summary - May 2015. Collection method: clinical testing. Allele origin: germline.
Comment: Variant summary: ADAMTS2 c.411G>A (p.Met137Ile) results in a conservative amino acid change in the encoded protein sequence. Algorithms developed to predict the effect of missense changes on protein structure and function all suggest that this variant is likely to be tolerated. The variant allele was found at a frequency of 5.4e-05 in 220608 control chromosomes. This frequency is not significantly higher than estimated for a pathogenic variant in ADAMTS2 causing Ehlers-Danlos syndrome, dermatosparaxis type (5.4e-05 vs 0.0011), allowing no conclusion about variant significance. To our knowledge, no occurrence of c.411G>A in individuals affected with Ehlers-Danlos syndrome, dermatosparaxis type and no experimental evidence demonstrating its impact on protein function have been reported. ClinVar contains an entry for this variant (Variation ID: 578724). Based on the evidence outlined above, the variant was classified as uncertain significance.

Labcorp Genetics (formerly Invitae), Labcorp
Classification: Uncertain significance for Ehlers-Danlos syndrome, dermatosparaxis type. Last evaluated: 2022-06-29. Review status: criteria provided, single submitter. Criteria: Invitae Variant Classification Sherloc (09022015). Collection method: clinical testing. Allele origin: germline.
Comment: This sequence change replaces methionine, which is neutral and non-polar, with isoleucine, which is neutral and non-polar, at codon 137 of the ADAMTS2 protein (p.Met137Ile). This variant is present in population databases (rs777436451, gnomAD 0.01%). This variant has not been reported in the literature in individuals affected with ADAMTS2-related conditions. ClinVar contains an entry for this variant (Variation ID: 578724). Algorithms developed to predict the effect of missense changes on protein structure and function (SIFT, PolyPhen-2, Align-GVGD) all suggest that this variant is likely to be tolerated. In summary, the available evidence is currently insufficient to determine the role of this variant in disease. Therefore, it has been classified as a Variant of Uncertain Significance.

Natera, Inc.
Classification: Uncertain significance for Ehlers-Danlos syndrome type VIIC. Last evaluated: 2019-10-28. Review status: no assertion criteria provided. Collection method: clinical testing. Allele origin: germline. Not counted in ClinVar's aggregate classification.